The following is an entry in ClinVar:

NM_000295.5(SERPINA1):c.470A>T (p.Asp157Val)

Gene: SERPINA1 (serpin family A member 1; minus strand). Cytogenetic location: 14q32.13.
Variant type: single nucleotide variant.
Coding change: c.470A>T on transcript NM_000295.5 (MANE Select); coding-DNA position 470, A replaced by T.
Protein change: p.Asp157Val; replaces aspartic acid 157 with valine.
Molecular consequence: missense variant.
Genome position (GRCh38, 1-based): chr14:94,382,768, T>A on the plus strand (A>T on the coding strand, the complement: SERPINA1 is on the minus strand). VCF-style: chr14-94382768-T-A. GRCh37 (hg19) VCF-style: chr14-94849105-T-A.
Other names: c.470A>T (NM_000295.4); c.470A>T, p.Asp157Val (NM_001002235.3, NM_001002236.3, NM_001127700.2 and 7 more transcripts); short protein forms D157V.
Identifiers: ClinVar variation 502171 (VCV000502171.6), dbSNP rs749118243, ClinGen allele CA390849799.
Genomic context (GRCh38, chr14:94,382,768, plus strand): 5'-GCCTCTTCGGTGTCCCCGAAGTTGACAGTGAAGGCTTCTGAGTGGTACAACTTTTTAACA[T>A]CCTCCAAAAACTTATCCACTAGCTTCAGGCCCTCGCTGAGGAACAGGCCATTGCCGGTGG-3'
Protein context (NP_000286.3, residues 147-167): GLKLVDKFLE[Asp157Val]VKKLYHSEAF

ClinVar aggregate classification (germline): Uncertain significance. Review status: criteria provided, multiple submitters, no conflicts (2 of 4 stars). 2 submissions from 2 submitters: Uncertain significance (2). Last evaluated 2023-09-13.

Conditions:
SERPINA1-related disorder. Also called: SerpinA1-related disorders; SERPINA1-related condition.

Submissions (2):

PreventionGenetics, part of Exact Sciences
Classification: Uncertain significance for SERPINA1-related condition. Last evaluated: 2023-09-13. Review status: criteria provided, single submitter. Criteria: ACMG Guidelines, 2015. Collection method: clinical testing. Allele origin: germline.
Comment: The SERPINA1 c.470A>T variant is predicted to result in the amino acid substitution p.Asp157Val. To our knowledge, this variant has not been reported in the literature or in a large population database, indicating this variant is rare. At this time, the clinical significance of this variant is uncertain due to the absence of conclusive functional and genetic evidence.

Eurofins Ntd Llc (ga)
Classification: Uncertain significance. Last evaluated: 2017-05-23. Review status: criteria provided, single submitter. Criteria: EGL Classification Definitions 2015. Collection method: clinical testing. Allele origin: germline. Observed: 1 variant allele, 1 heterozygote.